The following is an entry in ClinVar:

NM_002860.4(ALDH18A1):c.354A>T (p.Gly118=)

Gene: ALDH18A1 (aldehyde dehydrogenase 18 family member A1; minus strand). Cytogenetic location: 10q24.1.
Variant type: single nucleotide variant.
Coding change: c.354A>T on transcript NM_002860.4 (MANE Select); coding-DNA position 354, A replaced by T.
Protein change: p.Gly118=; no amino-acid change (glycine 118 retained).
Molecular consequence: synonymous variant. On other transcripts: intron variant (1).
Genome position (GRCh38, 1-based): chr10:95,637,386, T>A on the plus strand (A>T on the coding strand, the complement: ALDH18A1 is on the minus strand). VCF-style: chr10-95637386-T-A. GRCh37 (hg19) VCF-style: chr10-97397143-T-A.
Other names: c.354A>T, p.Gly118= (NM_001017423.2, NM_001323413.2, NM_001323414.2 and 2 more transcripts); c.21A>T, p.Gly7= (NM_001323412.2, NM_001323416.2, NM_001323418.2); c.-78-3737A>T (NM_001323419.2).
Identifiers: ClinVar variation 682580 (VCV000682580.1), dbSNP rs1589544043, ClinGen allele CA471031894.

ClinVar aggregate classification (germline): Likely benign (1 of 4 stars; one submission).

Submission:

GeneDx
Classification: Likely benign. Last evaluated: 2018-05-03. Review status: criteria provided, single submitter. Criteria: GeneDx Variant Classification (06012015). Collection method: clinical testing. Allele origin: germline. Affected: yes.
Comment: This variant is considered likely benign or benign based on one or more of the following criteria: it is a conservative change, it occurs at a poorly conserved position in the protein, it is predicted to be benign by multiple in silico algorithms, and/or has population frequency not consistent with disease.